The following is an entry in ClinVar:

ClinVar aggregate classification (germline): Pathogenic (1 of 4 stars; one submission).

Conditions:
Combined oxidative phosphorylation defect type 17. Also called: Combined oxidative phosphorylation deficiency 17. Identifiers: Orphanet 369913, MedGen C3809526, MONDO:0014190, OMIM 615440.

Submission:

Labcorp Genetics (formerly Invitae), Labcorp
Classification: Pathogenic for Combined oxidative phosphorylation defect type 17. Last evaluated: 2022-03-25. Review status: criteria provided, single submitter. Criteria: Invitae Variant Classification Sherloc (09022015). Collection method: clinical testing. Allele origin: germline.
Comment: For these reasons, this variant has been classified as Pathogenic. Algorithms developed to predict the effect of sequence changes on RNA splicing suggest that this variant may disrupt the consensus splice site. This variant has not been reported in the literature in individuals affected with ELAC2-related conditions. This variant is not present in population databases (gnomAD no frequency). This sequence change creates a premature translational stop signal (p.Gln356*) in the ELAC2 gene. It is expected to result in an absent or disrupted protein product. Loss-of-function variants in ELAC2 are known to be pathogenic (PMID: 27769300, 31045291).

Literature cited by the submitters: PubMed 27769300; PubMed 31045291.

NM_018127.7(ELAC2):c.1066C>T (p.Gln356Ter)

Gene: ELAC2 (elaC ribonuclease Z 2; minus strand). Cytogenetic location: 17p12.
Variant type: single nucleotide variant.
Coding change: c.1066C>T on transcript NM_018127.7 (MANE Select); coding-DNA position 1066, C replaced by T.
Protein change: p.Gln356Ter; replaces glutamine 356 with a stop codon.
Molecular consequence: nonsense.
Genome position (GRCh38, 1-based): chr17:13,003,492, G>A on the plus strand (C>T on the coding strand, the complement: ELAC2 is on the minus strand). VCF-style: chr17-13003492-G-A. GRCh37 (hg19) VCF-style: chr17-12906809-G-A.
Other names: c.946C>T, p.Gln316Ter (NM_001165962.2); c.1066C>T, p.Gln356Ter (NM_173717.2); short protein forms Q316*, Q356*.
Identifiers: ClinVar variation 2116681 (VCV002116681.4), dbSNP rs2040936942, ClinGen allele CA398225710.
Genomic context (GRCh38, chr17:13,003,492, plus strand): 5'-ACTGCCCAGAAGAGTTACCCCAAGTGCCGCTGGGCTGGGCTCCATACCTCTCCATCCACT[G>A]CTGGTACCTGCTGTCCACAAGCACAGATGCTGGGGCCATGTGAACCACCAAGGCCACGGG-3'